The following is an entry in ClinVar:

NM_005051.3(QARS1):c.608C>T (p.Thr203Met)

Gene: QARS1 (glutaminyl-tRNA synthetase 1; minus strand). Cytogenetic location: 3p21.31.
Variant type: single nucleotide variant.
Coding change: c.608C>T on transcript NM_005051.3 (MANE Select); coding-DNA position 608, C replaced by T.
Protein change: p.Thr203Met; replaces threonine 203 with methionine.
Molecular consequence: missense variant. On other transcripts: non-coding transcript variant (1).
Genome position (GRCh38, 1-based): chr3:49,102,228, G>A on the plus strand (C>T on the coding strand, the complement: QARS1 is on the minus strand). VCF-style: chr3-49102228-G-A. GRCh37 (hg19) VCF-style: chr3-49139661-G-A.
Other names: c.608C>T (NM_005051.1); c.575C>T, p.Thr192Met (NM_001272073.2); short protein forms T192M, T203M.
Identifiers: ClinVar variation 959451 (VCV000959451.8), dbSNP rs371204910, ClinGen allele CA74476904.

ClinVar aggregate classification (germline): Uncertain significance. Review status: criteria provided, multiple submitters, no conflicts (2 of 4 stars). 2 submissions from 2 submitters: Uncertain significance (2). Last evaluated 2025-03-27.

Conditions:
Inborn genetic diseases. Identifiers: MedGen C0950123, MeSH D030342.
Diffuse cerebral and cerebellar atrophy - intractable seizures - progressive microcephaly syndrome. Also called: Microcephaly, progressive, with seizures and cerebral and cerebellar atrophy. Identifiers: Orphanet 404437, MedGen C4014239, MONDO:0014335, OMIM 615760.

Allele frequency attached by ClinVar (database versions not stated): gnomAD exomes below 0.00001 and 0.00001; gnomAD 0.00001.
gnomAD v4.1: 6 of 1,614,074 alleles (0.00037%); highest among the groups gnomAD compares: East Asian, 0.0045%; no homozygotes.

Submissions (2):

Ambry Genetics
Classification: Uncertain significance for Inborn genetic diseases. Last evaluated: 2025-03-27. Review status: criteria provided, single submitter. Criteria: Ambry Variant Classification Scheme 2023. Collection method: clinical testing. Allele origin: germline.

Labcorp Genetics (formerly Invitae), Labcorp
Classification: Uncertain significance for Diffuse cerebral and cerebellar atrophy - intractable seizures - progressive microcephaly syndrome. Last evaluated: 2022-07-26. Review status: criteria provided, single submitter. Criteria: Invitae Variant Classification Sherloc (09022015). Collection method: clinical testing. Allele origin: germline.
Comment: This variant has not been reported in the literature in individuals affected with QARS-related conditions. In summary, the available evidence is currently insufficient to determine the role of this variant in disease. Therefore, it has been classified as a Variant of Uncertain Significance. Algorithms developed to predict the effect of missense changes on protein structure and function (SIFT, PolyPhen-2, Align-GVGD) all suggest that this variant is likely to be tolerated. ClinVar contains an entry for this variant (Variation ID: 959451). This variant is present in population databases (rs371204910, gnomAD 0.01%). This sequence change replaces threonine, which is neutral and polar, with methionine, which is neutral and non-polar, at codon 203 of the QARS protein (p.Thr203Met).